The following is an entry in ClinVar:

ClinVar aggregate classification (germline): Uncertain significance (1 of 4 stars; one submission).

gnomAD v4.1: 1 of 1,614,084 alleles (0.000062%); highest among the groups gnomAD compares: Non-Finnish European, 0.000085%; no homozygotes.

Submission:

GeneDx
Classification: Uncertain significance. Last evaluated: 2025-02-02. Review status: criteria provided, single submitter. Criteria: GeneDx Variant Classification Process June 2021. Collection method: clinical testing. Allele origin: germline. Affected: yes.
Comment: Not observed at significant frequency in large population cohorts (gnomAD); In silico analysis supports that this missense variant has a deleterious effect on protein structure/function; Has not been previously published as pathogenic or benign to our knowledge

NM_012330.4(KAT6B):c.3793A>G (p.Arg1265Gly)

Gene: KAT6B (lysine acetyltransferase 6B; plus strand). Cytogenetic location: 10q22.2.
Variant type: single nucleotide variant.
Coding change: c.3793A>G on transcript NM_012330.4 (MANE Select); coding-DNA position 3793, A replaced by G.
Protein change: p.Arg1265Gly; replaces arginine 1265 with glycine.
Molecular consequence: missense variant.
Genome position (GRCh38, 1-based): chr10:75,028,617, A>G. VCF-style: chr10-75028617-A-G. GRCh37 (hg19) VCF-style: chr10-76788375-A-G.
Other names: c.3244A>G, p.Arg1082Gly (NM_001256468.2, NM_001370138.1); c.2917A>G, p.Arg973Gly (NM_001256469.2, NM_001370139.1, NM_001370140.1 and 2 more transcripts); c.2755A>G, p.Arg919Gly (NM_001370132.1); c.2104A>G, p.Arg702Gly (NM_001370133.1); c.1708A>G, p.Arg570Gly (NM_001370134.1); c.1450A>G, p.Arg484Gly (NM_001370135.1); c.3793A>G, p.Arg1265Gly (NM_001370136.1, NM_001370137.1); c.2728A>G, p.Arg910Gly (NM_001370143.1, NM_001370144.1); short protein forms R1082G, R1265G, R484G, R570G, R702G, R910G, R919G, R973G.
Identifiers: ClinVar variation 4072627 (VCV004072627.1).